The following is an entry in ClinVar:

NM_001145809.2(MYH14):c.5994_6002del (p.Arg1999_Val2001del)

Gene: MYH14 (myosin heavy chain 14; plus strand). Cytogenetic location: 19q13.33.
Variant type: Deletion.
Coding change: c.5994_6002del on transcript NM_001145809.2 (MANE Select); coding-DNA positions 5994 to 6002, 9 bases deleted (GCGCCAGGT; older notation c.5994_6002delGCGCCAGGT).
Protein change: p.Arg1999_Val2001del.
Molecular consequence: inframe deletion.
Genome position (GRCh38, 1-based): chr19:50,309,673-50,309,681, GCGCCAGGT deleted; deleting any 9 consecutive bases within chr19:50,309,670-50,309,681 gives the same sequence; the c. name uses the placement nearest the transcript's 3' end. VCF-style (leftmost placement, unchanged base first): chr19-50309669-CGGTGCGCCA-C. GRCh37 (hg19) VCF-style: chr19-50812926-CGGTGCGCCA-C.
Other names: c.5895_5903del, p.Arg1966_Val1968del (NM_001077186.2); c.5871_5879del, p.Arg1958_Val1960del (NM_024729.4).
Identifiers: ClinVar variation 1803315 (VCV001803315.1), dbSNP rs2513782173, ClinGen allele CA2580097728.

ClinVar aggregate classification (germline): Uncertain significance (1 of 4 stars; one submission).

Submission:

GeneDx
Classification: Uncertain significance. Last evaluated: 2022-06-07. Review status: criteria provided, single submitter. Criteria: GeneDx Variant Classification Process June 2021. Collection method: clinical testing. Allele origin: germline. Affected: yes.
Comment: Not observed at significant frequency in large population cohorts (gnomAD); In-frame deletion of 3 amino acids in a non-repeat region; In silico analysis supports a deleterious effect on protein structure/function; Has not been previously published as pathogenic or benign to our knowledge